The following is an entry in ClinVar:

ClinVar aggregate classification (germline): Conflicting classifications of pathogenicity. Review status: criteria provided, conflicting classifications (1 of 4 stars). 4 submissions from 4 submitters: Uncertain significance (3); Likely benign (1). Last evaluated 2025-10-14.

Conditions:
Nephronophthisis. Also called: Juvenile Nephronophthisis. Identifiers: Orphanet 655, MedGen C0687120, MONDO:0019005, HP:0000090.
Nephronophthisis 7 (NPHP7). Identifiers: Orphanet 655, MedGen C1969092, MONDO:0012680, OMIM 611498.

Allele frequency attached by ClinVar (database versions not stated): TOPMed below 0.00001; gnomAD 0.00001; gnomAD exomes 0.00001; ExAC 0.00003.
gnomAD v4.1: 27 of 1,609,016 alleles (0.0017%); highest among the groups gnomAD compares: East Asian, 0.011%; no homozygotes.

Submissions (4):

Ambry Genetics
Classification: Likely benign. Last evaluated: 2025-10-14. Review status: criteria provided, single submitter. Criteria: Ambry Variant Classification Scheme 2023. Collection method: clinical testing. Allele origin: germline.

Labcorp Genetics (formerly Invitae), Labcorp
Classification: Uncertain significance for Nephronophthisis. Last evaluated: 2022-03-29. Review status: criteria provided, single submitter. Criteria: Invitae Variant Classification Sherloc (09022015). Collection method: clinical testing. Allele origin: germline.
Comment: Algorithms developed to predict the effect of missense changes on protein structure and function output the following: SIFT: "Tolerated"; PolyPhen-2: "Benign"; Align-GVGD: "Class C0". The serine amino acid residue is found in multiple mammalian species, which suggests that this missense change does not adversely affect protein function. In summary, the available evidence is currently insufficient to determine the role of this variant in disease. Therefore, it has been classified as a Variant of Uncertain Significance. ClinVar contains an entry for this variant (Variation ID: 887667). This variant has not been reported in the literature in individuals affected with GLIS2-related conditions. The frequency data for this variant in the population databases is considered unreliable, as metrics indicate poor data quality at this position in the gnomAD database. This sequence change replaces glycine, which is neutral and non-polar, with serine, which is neutral and polar, at codon 345 of the GLIS2 protein (p.Gly345Ser).

Fulgent Genetics
Classification: Uncertain significance for Nephronophthisis 7. Last evaluated: 2022-01-12. Review status: criteria provided, single submitter. Criteria: ACMG Guidelines, 2015. Collection method: clinical testing. Allele origin: unknown.

Illumina Laboratory Services, Illumina
Classification: Uncertain significance for Nephronophthisis 7. Last evaluated: 2018-01-12. Review status: criteria provided, single submitter. Criteria: ICSL Variant Classification Criteria 13 December 2019. Collection method: clinical testing. Allele origin: germline.

NM_032575.3(GLIS2):c.1033G>A (p.Gly345Ser)

Gene: GLIS2 (GLIS family zinc finger 2; plus strand). Cytogenetic location: 16p13.3.
Variant type: single nucleotide variant.
Coding change: c.1033G>A on transcript NM_032575.3 (MANE Select); coding-DNA position 1033, G replaced by A.
Protein change: p.Gly345Ser; replaces glycine 345 with serine.
Molecular consequence: missense variant.
Genome position (GRCh38, 1-based): chr16:4,336,982, G>A. VCF-style: chr16-4336982-G-A. GRCh37 (hg19) VCF-style: chr16-4386983-G-A.
Other names: c.1033G>A, p.Gly345Ser (NM_001318918.2); short protein forms G345S.
Identifiers: ClinVar variation 887667 (VCV000887667.10), dbSNP rs746233571, ClinGen allele CA7873185.